The following is an entry in ClinVar:

NM_007294.4(BRCA1):c.770dup (p.His257fs)

Gene: BRCA1 (BRCA1 DNA repair associated; minus strand). Cytogenetic location: 17q21.31.
Variant type: Duplication.
Coding change: c.770dup on transcript NM_007294.4 (MANE Select); coding-DNA position 770, one base duplicated (A; older notation c.770dupA).
Protein change: p.His257fs; shifts the reading frame from histidine 257.
Molecular consequence: frameshift variant. On other transcripts: non-coding transcript variant (1).
Genome position (GRCh38, 1-based): chr17:43,094,761, T duplicated on the plus strand (A on the coding strand, the reverse complement: BRCA1 is on the minus strand). VCF-style (leftmost placement, unchanged base first): chr17-43094760-A-AT. GRCh37 (hg19) VCF-style: chr17-41246777-A-AT.
Other names: c.770dupA (NM_007294.3); c.557dup, p.His186Glnfs (NM_001407571.1, NM_001407853.1, NM_001407894.1 and 12 more transcripts); c.770dup, p.His257Glnfs (NM_001407581.1, NM_001407582.1, NM_001407583.1 and 52 more transcripts); c.767dup, p.His256Glnfs (NM_001407587.1, NM_001407590.1, NM_001407591.1 and 38 more transcripts); c.761dup, p.His254Glnfs (NM_001407646.1, NM_001407647.1, NM_001408408.1); c.647dup, p.His216Glnfs (NM_001407648.1, NM_001407664.1, NM_001407665.1 and 34 more transcripts); c.644dup, p.His215Glnfs (NM_001407649.1, NM_001407670.1, NM_001407671.1 and 20 more transcripts); c.692dup, p.His231Glnfs (NM_001407653.1, NM_001407654.1, NM_001407655.1 and 9 more transcripts); and 17 more; short protein forms H257fs, H210fs.
Identifiers: ClinVar variation 548212 (VCV000548212.2), dbSNP rs1555593134, ClinGen allele CA658824555.

ClinVar aggregate classification (germline): Pathogenic (3 of 4 stars; one submission).

Conditions:
Breast-ovarian cancer, familial, susceptibility to, 1 (BROVCA1). Also called: BRCA1 Hereditary Breast and Ovarian Cancer; OVARIAN CANCER, SUSCEPTIBILITY TO. Identifiers: Orphanet 145, MedGen C2676676, MONDO:0011450, OMIM 604370. Disease mechanism: loss of function.

Submission:

Evidence-based Network for the Interpretation of Germline Mutant Alleles (ENIGMA)
Classification: Pathogenic for Breast-ovarian cancer, familial, susceptibility to, 1. Last evaluated: 2017-12-15. Review status: reviewed by expert panel. Criteria: ENIGMA BRCA1/2 Classification Criteria (2017-06-29). Collection method: curation. Allele origin: germline. Study: ENIGMA.
Comment: Variant allele predicted to encode a truncated non-functional protein.